The following is an entry in ClinVar:

NM_001048174.2(MUTYH):c.86A>G (p.Asn29Ser)

Gene: MUTYH (mutY DNA glycosylase; minus strand). Cytogenetic location: 1p34.1.
Variant type: single nucleotide variant.
Coding change: c.86A>G on transcript NM_001048174.2 (MANE Select); coding-DNA position 86, A replaced by G.
Protein change: p.Asn29Ser; replaces asparagine 29 with serine.
Molecular consequence: missense variant. On other transcripts: 5 prime UTR variant (4), non-coding transcript variant (2).
Genome position (GRCh38, 1-based): chr1:45,334,420, T>C on the plus strand (A>G on the coding strand, the complement: MUTYH is on the minus strand). VCF-style: chr1-45334420-T-C. GRCh37 (hg19) VCF-style: chr1-45800092-T-C.
Other names: c.86A>G, p.Asn29Ser (NM_001048172.2, NM_001048173.2, NM_001293191.2 and 15 more transcripts); c.128A>G, p.Asn43Ser (NM_001128425.2, NM_001293190.2, NM_001407069.1 and 2 more transcripts); c.-127A>G (NM_001293192.2, NM_001293196.2, NM_001407091.1); c.-186A>G (NM_001350650.2); c.-122A>G (NM_001350651.2, NM_001407082.1); c.-71A>G (NM_001407075.1); c.104A>G, p.Asn35Ser (NM_001407087.1); short protein forms N29S, N35S, N43S.
Identifiers: ClinVar variation 2184181 (VCV002184181.6), dbSNP rs2524354966, ClinGen allele CA340137033.

ClinVar aggregate classification (germline): Uncertain significance. Review status: criteria provided, multiple submitters, no conflicts (2 of 4 stars). 3 submissions from 3 submitters: Uncertain significance (3). Last evaluated 2024-11-20.

Conditions:
Hereditary cancer-predisposing syndrome. Also called: Neoplastic Syndromes, Hereditary; Tumor predisposition; Hereditary Cancer Syndrome; Hereditary neoplastic syndrome. Identifiers: Orphanet 140162, MedGen C0027672, MeSH D009386, MONDO:0015356.
Familial adenomatous polyposis 2. Also called: Adenomas, multiple colorectal; COLORECTAL ADENOMATOUS POLYPOSIS, AUTOSOMAL RECESSIVE; ADENOMAS, MULTIPLE COLORECTAL, AUTOSOMAL RECESSIVE; FAP type 2; MYH-associated polyposis; MUTYH-associated polyposis. Identifiers: Orphanet 220460, Orphanet 247798, MedGen C3272841, MONDO:0012041, OMIM 608456.

Submissions (3):

Labcorp Genetics (formerly Invitae), Labcorp
Classification: Uncertain significance for Familial adenomatous polyposis 2. Last evaluated: 2024-11-20. Review status: criteria provided, single submitter. Criteria: Invitae Variant Classification Sherloc (09022015). Collection method: clinical testing. Allele origin: germline.
Comment: This sequence change replaces asparagine, which is neutral and polar, with serine, which is neutral and polar, at codon 43 of the MUTYH protein (p.Asn43Ser). This variant is not present in population databases (gnomAD no frequency). This variant has not been reported in the literature in individuals affected with MUTYH-related conditions. ClinVar contains an entry for this variant (Variation ID: 2184181). An algorithm developed to predict the effect of missense changes on protein structure and function outputs the following: PolyPhen-2: "Benign". The serine amino acid residue is found in multiple mammalian species, which suggests that this missense change does not adversely affect protein function. In summary, the available evidence is currently insufficient to determine the role of this variant in disease. Therefore, it has been classified as a Variant of Uncertain Significance.

GeneDx
Classification: Uncertain significance. Last evaluated: 2024-05-03. Review status: criteria provided, single submitter. Criteria: GeneDx Variant Classification Process June 2021. Collection method: clinical testing. Allele origin: germline. Affected: yes.
Comment: Not observed at significant frequency in large population cohorts (gnomAD); In silico analysis supports that this missense variant has a deleterious effect on protein structure/function; Has not been previously published as pathogenic or benign to our knowledge; This variant is associated with the following publications: (PMID: 32072083)

Color Diagnostics, LLC DBA Color Health
Classification: Uncertain significance for Hereditary cancer-predisposing syndrome. Last evaluated: 2021-11-02. Review status: criteria provided, single submitter. Criteria: ACMG Guidelines, 2015. Collection method: clinical testing. Allele origin: germline.
Comment: This missense variant replaces asparagine with serine at codon 43 of the MUTYH protein. Computational prediction suggests that this variant may not impact protein structure and function (internally defined REVEL score threshold <= 0.5, PMID: 27666373). To our knowledge, functional studies have not been reported for this variant. This variant has not been reported in individuals affected with hereditary cancer in the literature. This variant has not been identified in the general population by the Genome Aggregation Database (gnomAD). The available evidence is insufficient to determine the role of this variant in disease conclusively. Therefore, this variant is classified as a Variant of Uncertain Significance.